The following is an entry in ClinVar:

NM_057175.5(NAA15):c.2330C>T (p.Pro777Leu)

Gene: NAA15 (N-alpha-acetyltransferase 15, NatA auxiliary subunit; plus strand). Cytogenetic location: 4q31.1.
Variant type: single nucleotide variant.
Coding change: c.2330C>T on transcript NM_057175.5 (MANE Select); coding-DNA position 2330, C replaced by T.
Protein change: p.Pro777Leu; replaces proline 777 with leucine.
Molecular consequence: missense variant.
Genome position (GRCh38, 1-based): chr4:139,386,160, C>T. VCF-style: chr4-139386160-C-T. GRCh37 (hg19) VCF-style: chr4-140307314-C-T.
Other names: c.2327C>T, p.Pro776Leu (NM_001410842.1); c.*739C>T (NM_025085.2); c.2330C>T (NM_057175.3); short protein forms P776L, P777L.
Identifiers: ClinVar variation 2722091 (VCV002722091.3), dbSNP rs775375543, ClinGen allele CA3083822.

ClinVar aggregate classification (germline): Conflicting classifications of pathogenicity. Review status: criteria provided, conflicting classifications (1 of 4 stars). 2 submissions from 2 submitters: Uncertain significance (1); Likely benign (1). Last evaluated 2024-05-02.

Conditions:
Inborn genetic diseases. Identifiers: MedGen C0950123, MeSH D030342.

Allele frequency attached by ClinVar (database versions not stated): ExAC 0.00002; gnomAD exomes 0.00002; TOPMed 0.00010; gnomAD 0.00012.
gnomAD v4.1: 43 of 1,607,844 alleles (0.0027%); highest among the groups gnomAD compares: African/African-American, 0.051%; no homozygotes.

Submissions (2):

Ambry Genetics
Classification: Likely benign for Inborn genetic diseases. Last evaluated: 2024-05-02. Review status: criteria provided, single submitter. Criteria: Ambry Variant Classification Scheme 2023. Collection method: clinical testing. Allele origin: germline.

Labcorp Genetics (formerly Invitae), Labcorp
Classification: Uncertain significance. Last evaluated: 2023-05-07. Review status: criteria provided, single submitter. Criteria: Invitae Variant Classification Sherloc (09022015). Collection method: clinical testing. Allele origin: germline.
Comment: This sequence change replaces proline, which is neutral and non-polar, with leucine, which is neutral and non-polar, at codon 777 of the NAA15 protein (p.Pro777Leu). This variant is present in population databases (rs775375543, gnomAD 0.04%). This variant has not been reported in the literature in individuals affected with NAA15-related conditions. An algorithm developed to predict the effect of missense changes on protein structure and function (PolyPhen-2) suggests that this variant¬¨‚Ä† is likely to be tolerated. In summary, the available evidence is currently insufficient to determine the role of this variant in disease. Therefore, it has been classified as a Variant of Uncertain Significance.